The following is an entry in ClinVar:

NM_001113378.2(FANCI):c.1461T>A (p.Tyr487Ter)

Gene: FANCI (FA complementation group I; plus strand). Cytogenetic location: 15q26.1.
Variant type: single nucleotide variant.
Coding change: c.1461T>A on transcript NM_001113378.2 (MANE Select); coding-DNA position 1461, T replaced by A.
Protein change: p.Tyr487Ter; replaces tyrosine 487 with a stop codon.
Molecular consequence: nonsense.
Genome position (GRCh38, 1-based): chr15:89,281,249, T>A. VCF-style: chr15-89281249-T-A. GRCh37 (hg19) VCF-style: chr15-89824480-T-A.
Other names: c.1182T>A, p.Tyr394Ter (NM_001376910.1); c.1461T>A, p.Tyr487Ter (NM_001376911.1, NM_018193.3); short protein forms Y487*, Y394*.
Identifiers: ClinVar variation 408247 (VCV000408247.38), dbSNP rs769248873, ClinGen allele CA7723029.
Genomic context (GRCh38, chr15:89,281,249, plus strand): 5'-CATGTATGCACCCTTAGTTCTTCAAAGTTGTTCTTCTAAAGTCACAGAAGCTTTTGACTA[T>A]TTGTCCTTTCTGCCCCTTCAGACTGTACAAAGGCTGCTTAAGGCAGTGCAGGTAAGTCTT-3'

ClinVar aggregate classification (germline): Pathogenic/Likely pathogenic. Review status: criteria provided, multiple submitters, no conflicts (2 of 4 stars). 8 submissions from 8 submitters: Pathogenic (6); Likely pathogenic (1). 1 of the submissions does not count toward it. Last evaluated 2026-07-30.

Conditions:
FANCI-related disorder. Also called: FANCI-related condition.
Fanconi anemia (FA). Also called: Fanconi's anemia. Identifiers: Orphanet 84, MedGen C0015625, MeSH D005199, MONDO:0019391.
Fanconi anemia complementation group I (FANCI). Also called: FANCI-Related Fanconi Anemia. Identifiers: Orphanet 84, MedGen C1836861, MONDO:0012186, OMIM 609053.

Allele frequency attached by ClinVar (database versions not stated): ExAC 0.00004; gnomAD 0.00005; gnomAD exomes 0.00003; TOPMed 0.00003.

Submissions (8):

PreventionGenetics, part of Exact Sciences
Classification: Pathogenic for FANCI-related condition. Last evaluated: 2026-07-30. Review status: criteria provided, single submitter. Criteria: ACMG Guidelines, 2015. Collection method: clinical testing. Allele origin: germline.
Comment: The FANCI c.1461T>A variant is predicted to result in premature protein termination (p.Tyr487*). This variant has been reported in individuals with Fanconi anemia or various carcinomas (Savage et al. 2016. PubMed ID: 26590883; Lu et al. 2015. PubMed ID: 26689913; Chandrasekharappa et al. 2017. PubMed ID: 28678401; Altintas et al. 2023. PubMed ID: 35417938; Osborn et al. 2016. PubMed ID: 27538887). This variant is reported in 0.0062% of alleles in individuals of African descent in gnomAD and is consistently interpreted as pathogenic/likely pathogenic in ClinVar (Variation ID: 408247). Nonsense variants in FANCI are expected to be pathogenic. This variant is interpreted as pathogenic.

Labcorp Genetics (formerly Invitae), Labcorp
Classification: Pathogenic for Fanconi anemia. Last evaluated: 2026-01-21. Review status: criteria provided, single submitter. Criteria: Invitae Variant Classification Sherloc (09022015). Collection method: clinical testing. Allele origin: germline.
Comment: This sequence change creates a premature translational stop signal (p.Tyr487*) in the FANCI gene. It is expected to result in an absent or disrupted protein product. Loss-of-function variants in FANCI are known to be pathogenic (PMID: 17452773, 17460694). This variant is present in population databases (rs769248873, gnomAD 0.007%). This premature translational stop signal has been observed in individual(s) with Fanconi anemia (PMID: 26590883). ClinVar contains an entry for this variant (Variation ID: 408247). Algorithms developed to predict the effect of sequence changes on RNA splicing suggest that this variant may disrupt the consensus splice site. For these reasons, this variant has been classified as Pathogenic.

CeGaT Center for Human Genetics Tuebingen
Classification: Pathogenic. Last evaluated: 2024-10-01. Review status: criteria provided, single submitter. Criteria: CeGaT Center For Human Genetics Tuebingen Variant Classification Criteria Version 2. Collection method: clinical testing. Allele origin: germline. Affected: yes. Observed: 1 variant allele.
Comment: FANCI: PVS1, PM2:Supporting, PM3:Supporting

Baylor Genetics
Classification: Pathogenic for Fanconi anemia complementation group I. Last evaluated: 2024-03-02. Review status: criteria provided, single submitter. Criteria: ACMG Guidelines, 2015. Collection method: clinical testing. Allele origin: unknown.

GeneDx
Classification: Likely pathogenic. Last evaluated: 2023-06-12. Review status: criteria provided, single submitter. Criteria: GeneDx Variant Classification Process June 2021. Collection method: clinical testing. Allele origin: germline. Affected: yes.
Comment: Nonsense variant predicted to result in protein truncation or nonsense mediated decay in a gene for which loss of function is a known mechanism of disease; This variant is associated with the following publications: (PMID: 29980644, 27538887, 26689913, 36451132, 29625052, 35929646, 26590883, 28678401)

Greenwood Genetic Center Diagnostic Laboratories, Greenwood Genetic Center
Classification: Pathogenic for Fanconi anemia complementation group I. Last evaluated: 2022-10-10. Review status: criteria provided, single submitter. Criteria: ACMG Guidelines, 2015. Collection method: clinical testing. Allele origin: germline. Affected: yes.
Comment: PVS1, PM2, PM3

Genetic Services Laboratory, University of Chicago
Classification: Pathogenic for Fanconi anemia, complementation group I. Last evaluated: 2017-03-16. Review status: criteria provided, single submitter. Criteria: ACMG Guidelines, 2015. Collection method: clinical testing. Allele origin: germline. Affected: yes.

Leiden Open Variation Database
Classification: Pathogenic for Fanconi anemia complementation group I. Last evaluated: 2012-01-20. Review status: no assertion criteria provided. Collection method: curation. Allele origin: germline. Affected: yes. Not counted in ClinVar's aggregate classification.
Comment: Curator: Arleen D. Auerbach. Submitter to LOVD: Arleen D. Auerbach.

Literature cited by the submitters: PubMed 17452773 (cited by Labcorp Genetics (formerly Invitae), Labcorp); PubMed 17460694 (cited by Labcorp Genetics (formerly Invitae), Labcorp); PubMed 26590883 (cited by Labcorp Genetics (formerly Invitae), Labcorp).